The following is an entry in ClinVar:

NM_152722.5(HEPACAM):c.258G>C (p.Glu86Asp)

Gene: HEPACAM (hepatic and glial cell adhesion molecule; minus strand). Cytogenetic location: 11q24.2.
Variant type: single nucleotide variant.
Coding change: c.258G>C on transcript NM_152722.5 (MANE Select); coding-DNA position 258, G replaced by C.
Protein change: p.Glu86Asp; replaces glutamic acid 86 with aspartic acid.
Molecular consequence: missense variant.
Genome position (GRCh38, 1-based): chr11:124,924,897, C>G on the plus strand (G>C on the coding strand, the complement: HEPACAM is on the minus strand). VCF-style: chr11-124924897-C-G. GRCh37 (hg19) VCF-style: chr11-124794793-C-G.
Other names: c.258G>C, p.Glu86Asp (NM_001411043.1); short protein forms E86D.
Identifiers: ClinVar variation 2077239 (VCV002077239.4), dbSNP rs35466065, ClinGen allele CA383143468.

ClinVar aggregate classification (germline): Uncertain significance (1 of 4 stars; one submission).

gnomAD v4.1: 5 of 1,614,216 alleles (0.00031%); highest among the groups gnomAD compares: South Asian, 0.0055%; no homozygotes.

Submission:

Labcorp Genetics (formerly Invitae), Labcorp
Classification: Uncertain significance. Last evaluated: 2022-07-25. Review status: criteria provided, single submitter. Criteria: Invitae Variant Classification Sherloc (09022015). Collection method: clinical testing. Allele origin: germline.
Comment: This sequence change replaces glutamic acid, which is acidic and polar, with aspartic acid, which is acidic and polar, at codon 86 of the HEPACAM protein (p.Glu86Asp). This variant is present in population databases (no rsID available, gnomAD 0.003%). This variant has not been reported in the literature in individuals affected with HEPACAM-related conditions. Algorithms developed to predict the effect of missense changes on protein structure and function (SIFT, PolyPhen-2, Align-GVGD) all suggest that this variant is likely to be tolerated. In summary, the available evidence is currently insufficient to determine the role of this variant in disease. Therefore, it has been classified as a Variant of Uncertain Significance.